The following is an entry in ClinVar:

ClinVar aggregate classification (germline): Uncertain significance (1 of 4 stars; one submission).

Conditions:
Naxos disease (NXD). Also called: KERATOSIS PALMOPLANTARIS WITH ARRHYTHMOGENIC CARDIOMYOPATHY; MAL DE NAXOS; PALMOPLANTAR KERATODERMA WITH ARRHYTHMOGENIC RIGHT VENTRICULAR CARDIOMYOPATHY AND WOOLLY HAIR; CARDIOMYOPATHY, ARRHYTHMOGENIC RIGHT VENTRICULAR, WITH SKIN, HAIR, AND NAIL ABNORMALITIES; WOOLLY HAIR, PALMOPLANTAR KERATODERMA, AND CARDIAC ABNORMALITIES. Identifiers: Orphanet 34217, MedGen C1832600, MONDO:0011017, OMIM 601214.
Arrhythmogenic right ventricular dysplasia 12. Also called: ARRHYTHMOGENIC RIGHT VENTRICULAR DYSPLASIA, FAMILIAL, 12. Identifiers: MedGen C1969081, MONDO:0012684, OMIM 611528.

Submission:

Labcorp Genetics (formerly Invitae), Labcorp
Classification: Uncertain significance for Arrhythmogenic right ventricular dysplasia 12; Naxos disease. Last evaluated: 2025-03-17. Review status: criteria provided, single submitter. Criteria: Invitae Variant Classification Sherloc (09022015). Collection method: clinical testing. Allele origin: germline.
Comment: This sequence change replaces leucine, which is neutral and non-polar, with proline, which is neutral and non-polar, at codon 220 of the JUP protein (p.Leu220Pro). This variant is not present in population databases (gnomAD no frequency). This variant has not been reported in the literature in individuals affected with JUP-related conditions. An algorithm developed to predict the effect of missense changes on protein structure and function (PolyPhen-2) suggests that this variant is likely to be disruptive. In summary, the available evidence is currently insufficient to determine the role of this variant in disease. Therefore, it has been classified as a Variant of Uncertain Significance.

NM_002230.4(JUP):c.659T>C (p.Leu220Pro)

Gene: JUP (junction plakoglobin; minus strand). Cytogenetic location: 17q21.2.
Variant type: single nucleotide variant.
Coding change: c.659T>C on transcript NM_002230.4 (MANE Select); coding-DNA position 659, T replaced by C.
Protein change: p.Leu220Pro; replaces leucine 220 with proline.
Molecular consequence: missense variant.
Genome position (GRCh38, 1-based): chr17:41,769,017, A>G on the plus strand (T>C on the coding strand, the complement: JUP is on the minus strand). VCF-style: chr17-41769017-A-G. GRCh37 (hg19) VCF-style: chr17-39925269-A-G.
Other names: c.659T>C, p.Leu220Pro (NM_001352773.2, NM_001352774.2, NM_001352775.2 and 3 more transcripts); short protein forms L220P.
Identifiers: ClinVar variation 4784458 (VCV004784458.1).
Genomic context (GRCh38, chr17:41,769,017, plus strand): 5'-AGGGTTGGGTACCTGAGCATGCGGACCAGAGCAGGGATGCCACCCGACTTGAAGATGGCG[A>G]GCAGCCCCTCCCGGTGGTGGGAGAGGTTGTGCAGGATGCTGGTGGTGCAGCGGGCTGTGT-3'
Protein context (NP_002221.1, residues 210-230): HNLSHHREGL[Leu220Pro]AIFKSGGIPA